The following is an entry in ClinVar:

ClinVar aggregate classification (germline): Uncertain significance (1 of 4 stars; one submission).

Submission:

Labcorp Genetics (formerly Invitae), Labcorp
Classification: Uncertain significance. Last evaluated: 2022-04-24. Review status: criteria provided, single submitter. Criteria: Invitae Variant Classification Sherloc (09022015). Collection method: clinical testing. Allele origin: germline.
Comment: In summary, the available evidence is currently insufficient to determine the role of this variant in disease. Therefore, it has been classified as a Variant of Uncertain Significance. This sequence change replaces aspartic acid, which is acidic and polar, with tyrosine, which is neutral and polar, at codon 126 of the RS1 protein (p.Asp126Tyr). This variant is not present in population databases (gnomAD no frequency). This variant has not been reported in the literature in individuals affected with RS1-related conditions. Advanced modeling of protein sequence and biophysical properties (such as structural, functional, and spatial information, amino acid conservation, physicochemical variation, residue mobility, and thermodynamic stability) performed at Invitae indicates that this missense variant is expected to disrupt RS1 protein function. This variant disrupts the p.Asp126 amino acid residue in RS1. Other variant(s) that disrupt this residue have been observed in individuals with RS1-related conditions (PMID: 20151283, 29851975), which suggests that this may be a clinically significant amino acid residue.

Literature cited by the submitters: PubMed 20151283; PubMed 29851975.

NM_000330.4(RS1):c.376G>T (p.Asp126Tyr)

Genes: CDKL5 (cyclin dependent kinase like 5; plus strand), RS1 (retinoschisin 1; minus strand). Cytogenetic location: Xp22.13.
Variant type: single nucleotide variant.
Coding change: c.376G>T on transcript NM_000330.4 (MANE Select); coding-DNA position 376, G replaced by T.
Protein change: p.Asp126Tyr; replaces aspartic acid 126 with tyrosine.
Molecular consequence: missense variant. On other transcripts: intron variant (2).
Genome position (GRCh38, 1-based): chrX:18,644,576, C>A on the plus strand (G>T on the coding strand, the complement: RS1 is on the minus strand). VCF-style: chrX-18644576-C-A. GRCh37 (hg19) VCF-style: chrX-18662696-C-A.
Other names: c.2714-1431C>A (NM_003159.3, NM_001037343.2); short protein forms D126Y.
Identifiers: ClinVar variation 2130025 (VCV002130025.4), dbSNP rs199469698, ClinGen allele CA412372172.